The following is an entry in ClinVar:

ClinVar aggregate classification (germline): Uncertain significance (1 of 4 stars; one submission).

Conditions:
Peroxisome biogenesis disorder 12A (Zellweger). Also called: Peroxisome biogenesis disorder 12A. Identifiers: Orphanet 912, MedGen C3554002, MONDO:0013951, OMIM 614886.

Submission:

Labcorp Genetics (formerly Invitae), Labcorp
Classification: Uncertain significance for Peroxisome biogenesis disorder 12A (Zellweger). Last evaluated: 2022-07-25. Review status: criteria provided, single submitter. Criteria: Invitae Variant Classification Sherloc (09022015). Collection method: clinical testing. Allele origin: germline.
Comment: This variant has not been reported in the literature in individuals affected with PEX19-related conditions. This variant is not present in population databases (gnomAD no frequency). This sequence change falls in intron 7 of the PEX19 gene. It does not directly change the encoded amino acid sequence of the PEX19 protein. ClinVar contains an entry for this variant (Variation ID: 1499740). In summary, the available evidence is currently insufficient to determine the role of this variant in disease. Therefore, it has been classified as a Variant of Uncertain Significance. Algorithms developed to predict the effect of sequence changes on RNA splicing suggest that this variant may disrupt the consensus splice site.

NM_002857.4(PEX19):c.817-9C>A

Gene: PEX19 (peroxisomal biogenesis factor 19; minus strand). Cytogenetic location: 1q23.2.
Variant type: single nucleotide variant.
Coding change: c.817-9C>A on transcript NM_002857.4 (MANE Select); 9 bases into the intron before coding-DNA position 817, C replaced by A.
Molecular consequence: intron variant.
Genome position (GRCh38, 1-based): chr1:160,279,643, G>T on the plus strand (C>A on the coding strand, the complement: PEX19 is on the minus strand). VCF-style: chr1-160279643-G-T. GRCh37 (hg19) VCF-style: chr1-160249433-G-T.
Other names: c.817-61C>A (NM_001193644.1).
Identifiers: ClinVar variation 1499740 (VCV001499740.8), dbSNP rs2101799148, ClinGen allele CA2573131235.